The following is an entry in ClinVar:

NM_000214.3(JAG1):c.271C>G (p.Pro91Ala)

Gene: JAG1 (jagged canonical Notch ligand 1; minus strand). Cytogenetic location: 20p12.2.
Variant type: single nucleotide variant.
Coding change: c.271C>G on transcript NM_000214.3 (MANE Select); coding-DNA position 271, C replaced by G.
Protein change: p.Pro91Ala; replaces proline 91 with alanine.
Molecular consequence: missense variant.
Genome position (GRCh38, 1-based): chr20:10,672,817, G>C on the plus strand (C>G on the coding strand, the complement: JAG1 is on the minus strand). VCF-style: chr20-10672817-G-C. GRCh37 (hg19) VCF-style: chr20-10653465-G-C.
Other names: short protein forms P91A.
Identifiers: ClinVar variation 2820329 (VCV002820329.3), dbSNP rs2514537839, ClinGen allele CA408242940.

ClinVar aggregate classification (germline): Uncertain significance (1 of 4 stars; one submission).

Conditions:
Alagille syndrome due to a JAG1 point mutation. Also called: Alagille Syndrome 1; HEPATIC DUCTULAR HYPOPLASIA, SYNDROMATIC; JAG1-Related Alagille Syndrome. Identifiers: Orphanet 261619, Orphanet 52, MedGen C1956125, MONDO:0016862, OMIM 118450.

gnomAD v4.1: 1 of 1,613,110 alleles (0.000062%); highest among the groups gnomAD compares: East Asian, 0.0022%; no homozygotes.

Submission:

Labcorp Genetics (formerly Invitae), Labcorp
Classification: Uncertain significance for Alagille syndrome due to a JAG1 point mutation. Last evaluated: 2024-01-08. Review status: criteria provided, single submitter. Criteria: Invitae Variant Classification Sherloc (09022015). Collection method: clinical testing. Allele origin: germline.
Comment: This sequence change replaces proline, which is neutral and non-polar, with alanine, which is neutral and non-polar, at codon 91 of the JAG1 protein (p.Pro91Ala). This variant is not present in population databases (gnomAD no frequency). This variant has not been reported in the literature in individuals affected with JAG1-related conditions. Advanced modeling of protein sequence and biophysical properties (such as structural, functional, and spatial information, amino acid conservation, physicochemical variation, residue mobility, and thermodynamic stability) performed at Invitae indicates that this missense variant is not expected to disrupt JAG1 protein function with a negative predictive value of 95%. In summary, the available evidence is currently insufficient to determine the role of this variant in disease. Therefore, it has been classified as a Variant of Uncertain Significance.